The following is an entry in ClinVar:

ClinVar aggregate classification (germline): Uncertain significance (1 of 4 stars; one submission).

Conditions:
Aortic valve disease 2 (AOVD2). Identifiers: MedGen C3542024, MONDO:0013902, OMIM 614823.

Submission:

Labcorp Genetics (formerly Invitae), Labcorp
Classification: Uncertain significance for Aortic valve disease 2. Last evaluated: 2024-11-08. Review status: criteria provided, single submitter. Criteria: Invitae Variant Classification Sherloc (09022015). Collection method: clinical testing. Allele origin: germline.
Comment: This sequence change replaces arginine, which is basic and polar, with proline, which is neutral and non-polar, at codon 61 of the SMAD6 protein (p.Arg61Pro). This variant is not present in population databases (gnomAD no frequency). This variant has not been reported in the literature in individuals affected with SMAD6-related conditions. ClinVar contains an entry for this variant (Variation ID: 968072). An algorithm developed to predict the effect of missense changes on protein structure and function (PolyPhen-2) suggests that this variant is likely to be tolerated. In summary, the available evidence is currently insufficient to determine the role of this variant in disease. Therefore, it has been classified as a Variant of Uncertain Significance.

NM_005585.5(SMAD6):c.182G>C (p.Arg61Pro)

Gene: SMAD6 (SMAD family member 6; plus strand). Cytogenetic location: 15q22.31.
Variant type: single nucleotide variant.
Coding change: c.182G>C on transcript NM_005585.5 (MANE Select); coding-DNA position 182, G replaced by C.
Protein change: p.Arg61Pro; replaces arginine 61 with proline.
Molecular consequence: missense variant. On other transcripts: non-coding transcript variant (1).
Genome position (GRCh38, 1-based): chr15:66,703,440, G>C. VCF-style: chr15-66703440-G-C. GRCh37 (hg19) VCF-style: chr15-66995778-G-C.
Other names: short protein forms R61P.
Identifiers: ClinVar variation 968072 (VCV000968072.9), dbSNP rs1306731976, ClinGen allele CA392948834.
Genomic context (GRCh38, chr15:66,703,440, plus strand): 5'-GCCGAGCTGAGCCGGCCCCGCGGGCAAGAGAGGGCGGAGGCTGCGGCCGCTCCGAAGTCC[G>C]CCCGGTAGCCCCGCGGCGGCCCCGGGACGCAGTGGGACAGCGAGGCGCCCAGGGCGCGGG-3'
Protein context (NP_005576.3, residues 51-71): EGGGCGRSEV[Arg61Pro]PVAPRRPRDA